The following is an entry in ClinVar:

ClinVar aggregate classification (germline): Uncertain significance (1 of 4 stars; one submission).

Conditions:
Epidermolysis bullosa simplex 5B, with muscular dystrophy (EBS5B). Also called: Epidermolysis bullosa simplex with muscular dystrophy; EPIDERMOLYSIS BULLOSA SIMPLEX AND LIMB-GIRDLE MUSCULAR DYSTROPHY. Identifiers: Orphanet 257, MedGen C2931072, MONDO:0009181, OMIM 226670.
Epidermolysis bullosa simplex, Ogna type (EBS5A). Also called: Pidermolysis bullosa simplex 5A, Ogna type; EPIDERMOLYSIS BULLOSA SIMPLEX 5A, OGNA TYPE. Identifiers: Orphanet 79401, MedGen C0432317, MONDO:0007555, OMIM 131950.
Autosomal recessive limb-girdle muscular dystrophy type 2Q (LGMDR17). Also called: MUSCULAR DYSTROPHY, LIMB-GIRDLE, AUTOSOMAL RECESSIVE 17. Identifiers: Orphanet 254361, MedGen C3150989, MONDO:0013390, OMIM 613723.
Epidermolysis bullosa simplex with nail dystrophy (EBS5D). Identifiers: MedGen C4225309, MONDO:0014661, OMIM 616487.
Epidermolysis bullosa simplex 5C, with pyloric atresia (EBS5C). Also called: Epidermolysis bullosa simplex with pyloric atresia; PLEC-Related Epidermolysis Bullosa with Pyloric Atresia; PLEC1-Related Epidermolysis Bullosa with Pyloric Atresia. Identifiers: Orphanet 158684, MedGen C2677349, MONDO:0012807, OMIM 612138.

Allele frequency attached by ClinVar (database versions not stated): gnomAD exomes below 0.00001 and 0.00001.
gnomAD v4.1: 9 of 1,607,064 alleles (0.00056%); highest among the groups gnomAD compares: Non-Finnish European, 0.00068%; no homozygotes.

Submission:

Labcorp Genetics (formerly Invitae), Labcorp
Classification: Uncertain significance for Autosomal recessive limb-girdle muscular dystrophy type 2Q; Epidermolysis bullosa simplex, Ogna type; Epidermolysis bullosa simplex with nail dystrophy; Epidermolysis bullosa simplex 5C, with pyloric atresia; Epidermolysis bullosa simplex 5B, with muscular dystrophy. Last evaluated: 2023-10-03. Review status: criteria provided, single submitter. Criteria: Invitae Variant Classification Sherloc (09022015). Collection method: clinical testing. Allele origin: germline.
Comment: This sequence change replaces serine, which is neutral and polar, with phenylalanine, which is neutral and non-polar, at codon 610 of the PLEC protein (p.Ser610Phe). The frequency data for this variant in the population databases is considered unreliable, as metrics indicate poor data quality at this position in the gnomAD database. This variant has not been reported in the literature in individuals affected with PLEC-related conditions. ClinVar contains an entry for this variant (Variation ID: 1385381). Experimental studies and prediction algorithms are not available or were not evaluated, and the functional significance of this variant is currently unknown. In summary, the available evidence is currently insufficient to determine the role of this variant in disease. Therefore, it has been classified as a Variant of Uncertain Significance.

NM_201384.3(PLEC):c.1748C>T (p.Ser583Phe)

Gene: PLEC (plectin; minus strand). Cytogenetic location: 8q24.3.
Variant type: single nucleotide variant.
Coding change: c.1748C>T on transcript NM_201384.3 (MANE Select); coding-DNA position 1748, C replaced by T.
Protein change: p.Ser583Phe; replaces serine 583 with phenylalanine.
Molecular consequence: missense variant.
Genome position (GRCh38, 1-based): chr8:143,932,702, G>A on the plus strand (C>T on the coding strand, the complement: PLEC is on the minus strand). VCF-style: chr8-143932702-G-A. GRCh37 (hg19) VCF-style: chr8-145006870-G-A.
Other names: c.1829C>T, p.Ser610Phe (NM_000445.5); c.1706C>T, p.Ser569Phe (NM_201378.4); c.1682C>T, p.Ser561Phe (NM_201379.3); c.2159C>T, p.Ser720Phe (NM_201380.4); c.1652C>T, p.Ser551Phe (NM_201381.3); c.1748C>T, p.Ser583Phe (NM_201382.4); c.1760C>T, p.Ser587Phe (NM_201383.3); short protein forms S569F, S583F, S610F, S561F, S551F, S587F, S720F.
Identifiers: ClinVar variation 1385381 (VCV001385381.8), dbSNP rs1554717917, ClinGen allele CA372579047.
Genomic context (GRCh38, chr8:143,932,702, plus strand): 5'-TTGGCGTACTGCAGGTCCAGCCGACCCAGGCAGTCACGGTAGGCACCCCGGGTGGCGGGG[G>A]AGAGCTGGCCCTGCAACAGATGAGACGGTGAGGTCTGCAGTGGCTGGGCCCGGCCCACCC-3'
Protein context (NP_958786.1, residues 573-593): ERARSDEGQL[Ser583Phe]PATRGAYRDC